The following is an entry in ClinVar:

NM_024675.4(PALB2):c.1843C>T (p.Pro615Ser)

Gene: PALB2 (partner and localizer of BRCA2; minus strand). Cytogenetic location: 16p12.2.
Variant type: single nucleotide variant.
Coding change: c.1843C>T on transcript NM_024675.4 (MANE Select); coding-DNA position 1843, C replaced by T.
Protein change: p.Pro615Ser; replaces proline 615 with serine.
Molecular consequence: missense variant.
Genome position (GRCh38, 1-based): chr16:23,630,311, G>A on the plus strand (C>T on the coding strand, the complement: PALB2 is on the minus strand). VCF-style: chr16-23630311-G-A. GRCh37 (hg19) VCF-style: chr16-23641632-G-A.
Other names: short protein forms P615S.
Identifiers: ClinVar variation 410120 (VCV000410120.14), dbSNP rs1019525144, ClinGen allele CA16615249.

ClinVar aggregate classification (germline): Uncertain significance. Review status: criteria provided, multiple submitters, no conflicts (2 of 4 stars). 5 submissions from 5 submitters: Uncertain significance (4). 1 of the submissions does not count toward it. Last evaluated 2024-12-07.

Conditions:
Familial cancer of breast. Also called: BREAST CANCER, FAMILIAL; Hereditary breast cancer; hereditary breast carcinoma. Identifiers: Orphanet 227535, MedGen C0346153, MONDO:0016419, OMIM 114480. Disease mechanism: loss of function.
Malignant tumor of breast. Also called: Malignant breast neoplasm; Cancer breast. Identifiers: MedGen C0006142, MONDO:0007254. Disease mechanism: loss of function.
Hereditary cancer-predisposing syndrome. Also called: Tumor predisposition; Hereditary Cancer Syndrome; Hereditary neoplastic syndrome; Neoplastic Syndromes, Hereditary. Identifiers: Orphanet 140162, MedGen C0027672, MeSH D009386, MONDO:0015356.

gnomAD v4.1: 2 of 1,614,150 alleles (0.00012%); highest among the groups gnomAD compares: Non-Finnish European, 0.00017%; no homozygotes.

Submissions (5):

Ambry Genetics
Classification: Uncertain significance for Hereditary cancer-predisposing syndrome. Last evaluated: 2024-12-07. Review status: criteria provided, single submitter. Criteria: Ambry Variant Classification Scheme 2023. Collection method: clinical testing. Allele origin: germline.
Comment: The p.P615S variant (also known as c.1843C>T), located in coding exon 5 of the PALB2 gene, results from a C to T substitution at nucleotide position 1843. The proline at codon 615 is replaced by serine, an amino acid with similar properties. This alteration has been reported in at least one breast cancer patient in a study of 13087 breast cancer cases and 5488 control individuals in the UK (Decker B et al. J Med Genet, 2017 11;54:732-741). This variant was also observed in 1/3251 individuals who met eligibility criteria for hereditary breast and ovarian cancer syndrome (Lerner-Ellis J et al. J Cancer Res Clin Oncol, 2021 Mar;147:871-879). This amino acid position is highly conserved in available vertebrate species. In addition, the in silico prediction for this alteration is inconclusive. Since supporting evidence is limited at this time, the clinical significance of this alteration remains unclear.

Sema4
Classification: Uncertain significance for Hereditary cancer-predisposing syndrome. Last evaluated: 2021-07-16. Review status: criteria provided, single submitter. Criteria: Sema4 Curation Guidelines. Collection method: curation. Allele origin: germline.
Comment: The PALB2 c.1843C>T (p.P615S) variant has been reported in literature in 1 individual with breast cancer (PMID and 28779002) and 1 individual in a control cohort of 7928 healthy women and 7840 breast cancer cases (PMID 33811135). This variant was not observed in the large and broad cohorts of the Genome Aggregation Database (PMID: 32461654). This variant has been reported in ClinVar (Variation ID 410120). This variant involves a highly conserved amino acid, and computational analyses do not provide strong support for or against an impact to the protein, though these predictions have not been confirmed by published functional studies. The overall evidence is insufficient to meet ACMG/AMP criteria for classifying it as benign or pathogenic. In summary, the clinical significance of this variant is currently uncertain.

Labcorp Genetics (formerly Invitae), Labcorp
Classification: Uncertain significance for Familial cancer of breast. Last evaluated: 2021-04-13. Review status: criteria provided, single submitter. Criteria: Invitae Variant Classification Sherloc (09022015). Collection method: clinical testing. Allele origin: germline.
Comment: This sequence change replaces proline with serine at codon 615 of the PALB2 protein (p.Pro615Ser). The proline residue is highly conserved and there is a moderate physicochemical difference between proline and serine. In summary, the available evidence is currently insufficient to determine the role of this variant in disease. Therefore, it has been classified as a Variant of Uncertain Significance. Algorithms developed to predict the effect of missense changes on protein structure and function are either unavailable or do not agree on the potential impact of this missense change (SIFT: "Tolerated"; PolyPhen-2: "Probably Damaging"; Align-GVGD: "Class C0"). This variant has not been reported in the literature in individuals with PALB2-related conditions. ClinVar contains an entry for this variant (Variation ID: 410120). This variant is not present in population databases (ExAC no frequency).

Color Diagnostics, LLC DBA Color Health
Classification: Uncertain significance for Hereditary cancer-predisposing syndrome. Last evaluated: 2018-11-20. Review status: criteria provided, single submitter. Criteria: ACMG Guidelines, 2015. Collection method: clinical testing. Allele origin: germline.

Department of Pathology and Laboratory Medicine, Sinai Health System
Classification: Uncertain significance for Malignant tumor of breast. Review status: no assertion criteria provided. Collection method: clinical testing. Allele origin: unknown. Affected: yes. Study: The Canadian Open Genetics Repository (COGR). Not counted in ClinVar's aggregate classification.
Comment: The PALB2 p.Pro615Ser variant was not identified in the literature nor was it identified in the dbSNP, Cosmic, MutDB, LOVD 3.0, Zhejiang Colon Cancer Database, databases. The variant was identified in ClinVar (classified as uncertain significance by Invitae), Clinvitae (classified as uncertain significance by Invitae), databases. The variant was not identified in the 1000 Genomes Project, the NHLBI GO Exome Sequencing Project or the Exome Aggregation Consortium (August 8th 2016) control databases. The p.Pro615 residue is conserved across mammals and other organisms, and four out of five computational analyses (PolyPhen-2, SIFT, AlignGVGD, BLOSUM, MutationTaster) suggest that the variant may impact the protein; however, this information is not predictive enough to assume pathogenicity. The variant occurs outside of the splicing consensus sequence and 1 of 5 in silico or computational prediction software programs (SpliceSiteFinder, MaxEntScan, NNSPLICE, GeneSplicer, HumanSpliceFinder) predict a greater than 10% difference in splicing; this is not very predictive of pathogenicity. In summary, based on the above information, the clinical significance of this variant cannot be determined with certainty at this time. This variant is classified as a variant of uncertain significance.

Literature cited by the submitters: PubMed 28779002 (cited by Ambry Genetics); PubMed 32885271 (cited by Ambry Genetics); PubMed 33811135 (cited by Sema4).